The following is an entry in ClinVar:

ClinVar aggregate classification (germline): Uncertain significance (1 of 4 stars; one submission).

Conditions:
Bethlem myopathy 1A. Also called: MYOPATHY, BENIGN CONGENITAL, WITH CONTRACTURES; Bethlem myopathy 1; Bethlem Muscular Dystrophy. Identifiers: Orphanet 610, MedGen CN029274, MONDO:0024530, OMIM 158810.

Submission:

Labcorp Genetics (formerly Invitae), Labcorp
Classification: Uncertain significance for Bethlem myopathy 1A. Last evaluated: 2026-01-01. Review status: criteria provided, single submitter. Criteria: Invitae Variant Classification Sherloc (09022015). Collection method: clinical testing. Allele origin: germline.
Comment: This sequence change replaces histidine, which is basic and polar, with proline, which is neutral and non-polar, at codon 196 of the COL6A3 protein (p.His196Pro). This variant is not present in population databases (gnomAD no frequency). This variant has not been reported in the literature in individuals affected with COL6A3-related conditions. Invitae Evidence Modeling of protein sequence and biophysical properties (such as structural, functional, and spatial information, amino acid conservation, physicochemical variation, residue mobility, and thermodynamic stability) indicates that this missense variant is not expected to disrupt COL6A3 protein function with a negative predictive value of 95%. In summary, the available evidence is currently insufficient to determine the role of this variant in disease. Therefore, it has been classified as a Variant of Uncertain Significance.

NM_004369.4(COL6A3):c.587A>C (p.His196Pro)

Gene: COL6A3 (collagen type VI alpha 3 chain; minus strand). Cytogenetic location: 2q37.3.
Variant type: single nucleotide variant.
Coding change: c.587A>C on transcript NM_004369.4 (MANE Select); coding-DNA position 587, A replaced by C.
Protein change: p.His196Pro; replaces histidine 196 with proline.
Molecular consequence: missense variant. On other transcripts: intron variant (4).
Genome position (GRCh38, 1-based): chr2:237,394,709, T>G on the plus strand (A>C on the coding strand, the complement: COL6A3 is on the minus strand). VCF-style: chr2-237394709-T-G. GRCh37 (hg19) VCF-style: chr2-238303352-T-G.
Other names: c.91+2018A>C (NM_057166.5, NM_057167.4, NM_057164.5 and 1 more transcripts); short protein forms H196P.
Identifiers: ClinVar variation 4800381 (VCV004800381.1).